The following is an entry in ClinVar:

NM_003482.4(KMT2D):c.1075C>T (p.Arg359Cys)

Gene: KMT2D (lysine methyltransferase 2D; minus strand). Cytogenetic location: 12q13.12.
Variant type: single nucleotide variant.
Coding change: c.1075C>T on transcript NM_003482.4 (MANE Select); coding-DNA position 1075, C replaced by T.
Protein change: p.Arg359Cys; replaces arginine 359 with cysteine.
Molecular consequence: missense variant.
Genome position (GRCh38, 1-based): chr12:49,052,952, G>A on the plus strand (C>T on the coding strand, the complement: KMT2D is on the minus strand). VCF-style: chr12-49052952-G-A. GRCh37 (hg19) VCF-style: chr12-49446735-G-A.
Other names: c.1075C>T (NM_003482.3); short protein forms R359C.
Identifiers: ClinVar variation 502260 (VCV000502260.38), dbSNP rs372085797, ClinGen allele CA6548586.
Genomic context (GRCh38, chr12:49,052,952, plus strand): 5'-CTCAGTCAGTCCCCACCACTTACCTGCTACACACCGGGGTATGCTGCTCAGCAACGGAGC[G>A]GATAGTCTGACCTCCCTGGGCTTTGTGACAGCGGTGACAGAGAGAGTAGTTCTCAAACCA-3'
Protein context (NP_003473.3, residues 349-369): CHKAQGGQTI[Arg359Cys]SVAEQHTPVC

ClinVar aggregate classification (germline): Conflicting classifications of pathogenicity. Review status: criteria provided, conflicting classifications (1 of 4 stars). 5 submissions from 5 submitters: Uncertain significance (3); Benign (1); Likely benign (1). Last evaluated 2025-05-21.

Conditions:
Kabuki syndrome. Also called: NIIKAWA-KUROKI SYNDROME; Kabuki make-up syndrome. Identifiers: Orphanet 2322, MedGen C0796004, MONDO:0016512.
KMT2D-related disorder. Also called: KMT2D-Related Disorders.

Allele frequency attached by ClinVar (database versions not stated): TOPMed 0.00001; gnomAD 0.00004 and 0.00005; ExAC 0.00006; ESP Exome Variant Server 0.00016.

Submissions (5):

Labcorp Genetics (formerly Invitae), Labcorp
Classification: Benign for Kabuki syndrome. Last evaluated: 2025-05-21. Review status: criteria provided, single submitter. Criteria: Invitae Variant Classification Sherloc (09022015). Collection method: clinical testing. Allele origin: germline.

PreventionGenetics, part of Exact Sciences
Classification: Uncertain significance for KMT2D-related condition. Last evaluated: 2025-04-08. Review status: criteria provided, single submitter. Criteria: ACMG Guidelines, 2015. Collection method: clinical testing. Allele origin: germline.
Comment: The KMT2D c.1075C>T variant is predicted to result in the amino acid substitution p.Arg359Cys. To our knowledge, this variant has not been reported in the literature. This variant is reported in 0.0098% of alleles in individuals of South Asian descent in gnomAD. At this time, the clinical significance of this variant is uncertain due to the absence of conclusive functional and genetic evidence.

Revvity Omics, Revvity
Classification: Uncertain significance. Last evaluated: 2023-11-17. Review status: criteria provided, single submitter. Criteria: ACMG Guidelines, 2015. Collection method: clinical testing. Allele origin: germline.

CeGaT Center for Human Genetics Tuebingen
Classification: Likely benign. Last evaluated: 2023-11-01. Review status: criteria provided, single submitter. Criteria: CeGaT Center For Human Genetics Tuebingen Variant Classification Criteria Version 2. Collection method: clinical testing. Allele origin: germline. Affected: yes. Observed: 1 variant allele.
Comment: KMT2D: BP4

Eurofins Ntd Llc (ga)
Classification: Uncertain significance. Last evaluated: 2017-06-06. Review status: criteria provided, single submitter. Criteria: EGL Classification Definitions 2015. Collection method: clinical testing. Allele origin: germline. Observed: 2 variant alleles, 2 heterozygotes.